The following is an entry in ClinVar:

NM_001277115.2(DNAH11):c.11402C>G (p.Pro3801Arg)

Gene: DNAH11 (dynein axonemal heavy chain 11; plus strand). Cytogenetic location: 7p15.3.
Variant type: single nucleotide variant.
Coding change: c.11402C>G on transcript NM_001277115.2 (MANE Select); coding-DNA position 11402, C replaced by G.
Protein change: p.Pro3801Arg; replaces proline 3801 with arginine.
Molecular consequence: missense variant.
Genome position (GRCh38, 1-based): chr7:21,864,563, C>G. VCF-style: chr7-21864563-C-G. GRCh37 (hg19) VCF-style: chr7-21904181-C-G.
Other names: short protein forms P3801R.
Identifiers: ClinVar variation 167001 (VCV000167001.25), dbSNP rs146362213, ClinGen allele CA179977.

ClinVar aggregate classification (germline): Benign. Review status: criteria provided, multiple submitters, no conflicts (2 of 4 stars). 4 submissions from 4 submitters: Benign (4). Last evaluated 2026-01-22.

Conditions:
Primary ciliary dyskinesia. Also called: Ciliary dyskinesia. Identifiers: Orphanet 244, MedGen C0008780, MONDO:0016575, HP:0012265.

Allele frequency attached by ClinVar (database versions not stated): gnomAD 0.00061 and 0.00077; TOPMed 0.00097; ExAC 0.00170; gnomAD exomes 0.00173; 1000 Genomes Project 30x 0.00344; 1000 Genomes Project 0.00359.
gnomAD v4.1: 745 of 1,611,798 alleles (0.046%); highest among the groups gnomAD compares: East Asian, 1.3%; 10 homozygotes.

Submissions (4):

Labcorp Genetics (formerly Invitae), Labcorp
Classification: Benign for Primary ciliary dyskinesia. Last evaluated: 2026-01-22. Review status: criteria provided, single submitter. Criteria: Invitae Variant Classification Sherloc (09022015). Collection method: clinical testing. Allele origin: germline.

Ambry Genetics
Classification: Benign for Primary ciliary dyskinesia. Last evaluated: 2020-01-10. Review status: criteria provided, single submitter. Criteria: Ambry Variant Classification Scheme 2023. Collection method: clinical testing. Allele origin: germline.

Eurofins Ntd Llc (ga)
Classification: Benign. Last evaluated: 2014-04-03. Review status: criteria provided, single submitter. Criteria: EGL Classification Definitions 2015. Collection method: clinical testing. Allele origin: germline. Observed: 1 variant allele, 1 heterozygote.

Laboratory for Molecular Medicine, Mass General Brigham Personalized Medicine
Classification: Benign. Last evaluated: 2013-02-21. Review status: criteria provided, single submitter. Criteria: LMM Criteria. Collection method: clinical testing. Allele origin: germline. Observed: 1 variant allele.
Comment: Pro3801Arg in exon 70 of DNAH11: This variant is not expected to have clinical s ignificance because it has been identified in 3.0% (6/200) of Han Chinese chromo somes from a broad population by the 1000 Genomes Project (dbSNP rs146362213).